The following is an entry in ClinVar:

NM_001130438.3(SPTAN1):c.5639T>G (p.Phe1880Cys)

Gene: SPTAN1 (spectrin alpha, non-erythrocytic 1; plus strand). Cytogenetic location: 9q34.11.
Variant type: single nucleotide variant.
Coding change: c.5639T>G on transcript NM_001130438.3 (MANE Select); coding-DNA position 5639, T replaced by G.
Protein change: p.Phe1880Cys; replaces phenylalanine 1880 with cysteine.
Molecular consequence: missense variant.
Genome position (GRCh38, 1-based): chr9:128,618,909, T>G. VCF-style: chr9-128618909-T-G. GRCh37 (hg19) VCF-style: chr9-131381188-T-G.
Other names: c.5579T>G, p.Phe1860Cys (NM_001438442.1, NM_001363765.2, NM_001375314.2); c.5624T>G, p.Phe1875Cys (NM_001438443.1, NM_001438445.1, NM_003127.4); c.5564T>G, p.Phe1855Cys (NM_001438444.1, NM_001195532.2, NM_001438441.1); c.5639T>G, p.Phe1880Cys (NM_001363759.2, NM_001375310.1, NM_001375311.2 and 1 more transcripts); c.5675T>G, p.Phe1892Cys (NM_001375312.2, NM_001375318.1, NM_001438440.1); short protein forms F1855C, F1860C, F1875C, F1880C, F1892C.
Identifiers: ClinVar variation 4885103 (VCV004885103.2).

ClinVar aggregate classification (germline): Uncertain significance (1 of 4 stars; one submission).

Submission:

Dasa
Classification: Uncertain significance. Last evaluated: 2025-04-22. Review status: criteria provided, single submitter. Criteria: DASA Assertion Criteria. Collection method: clinical testing. Allele origin: germline.
Comment: NM_001130438.3(SPTAN1):c.5639T>G (p.Phe1880Cys) is a missense variant that results in the substitution of phenylalanine with cysteine. This variant is absent from population databases. Computational prediction algorithms are consistent with a deleterious effect. The currently available literature and clinical evidence are not sufficient to establish a definitive association between this variant and the reported condition. Therefore, this variant is classified as a variant of uncertain significance.